The following is an entry in ClinVar:

ClinVar aggregate classification (germline): Uncertain significance. Review status: criteria provided, multiple submitters, no conflicts (2 of 4 stars). 2 submissions from 2 submitters: Uncertain significance (2). Last evaluated 2021-11-14.

Submissions (2):

Labcorp Genetics (formerly Invitae), Labcorp
Classification: Uncertain significance. Last evaluated: 2021-11-14. Review status: criteria provided, single submitter. Criteria: Invitae Variant Classification Sherloc (09022015). Collection method: clinical testing. Allele origin: germline.
Comment: Experimental studies and prediction algorithms are not available or were not evaluated, and the functional significance of this variant is currently unknown. This variant has not been reported in the literature in individuals affected with NR2E3-related conditions. This variant is not present in population databases (gnomAD no frequency). This sequence change replaces leucine, which is neutral and non-polar, with histidine, which is basic and polar, at codon 389 of the NR2E3 protein (p.Leu389His). In summary, the available evidence is currently insufficient to determine the role of this variant in disease. Therefore, it has been classified as a Variant of Uncertain Significance.

Blueprint Genetics
Classification: Uncertain significance. Last evaluated: 2021-09-10. Review status: criteria provided, single submitter. Criteria: ACMG Guidelines, 2015. Collection method: clinical testing. Allele origin: germline.

NM_014249.4(NR2E3):c.1166T>A (p.Leu389His)

Gene: NR2E3 (nuclear receptor subfamily 2 group E member 3; plus strand). Cytogenetic location: 15q23.
Variant type: single nucleotide variant.
Coding change: c.1166T>A on transcript NM_014249.4 (MANE Select); coding-DNA position 1166, T replaced by A.
Protein change: p.Leu389His; replaces leucine 389 with histidine.
Molecular consequence: missense variant.
Genome position (GRCh38, 1-based): chr15:71,817,617, T>A. VCF-style: chr15-71817617-T-A. GRCh37 (hg19) VCF-style: chr15-72109958-T-A.
Other names: short protein forms L389H.
Identifiers: ClinVar variation 1404429 (VCV001404429.7), dbSNP rs2140294965, ClinGen allele CA393041437.